The following is an entry in ClinVar:

NM_006182.4(DDR2):c.1418G>A (p.Arg473His)

Gene: DDR2 (discoidin domain receptor tyrosine kinase 2; plus strand). Cytogenetic location: 1q23.3.
Variant type: single nucleotide variant.
Coding change: c.1418G>A on transcript NM_006182.4 (MANE Select); coding-DNA position 1418, G replaced by A.
Protein change: p.Arg473His; replaces arginine 473 with histidine.
Molecular consequence: missense variant.
Genome position (GRCh38, 1-based): chr1:162,770,426, G>A. VCF-style: chr1-162770426-G-A. GRCh37 (hg19) VCF-style: chr1-162740216-G-A.
Other names: c.1418G>A, p.Arg473His (NM_001014796.3, NM_001354982.2, NM_001354983.2); short protein forms R473H.
Identifiers: ClinVar variation 1399836 (VCV001399836.7), dbSNP rs775098890, ClinGen allele CA1217515.

ClinVar aggregate classification (germline): Uncertain significance. Review status: criteria provided, multiple submitters, no conflicts (2 of 4 stars). 2 submissions from 2 submitters: Uncertain significance (2). Last evaluated 2025-11-03.

Allele frequency attached by ClinVar (database versions not stated): ExAC 0.00001; gnomAD 0.00001; TOPMed 0.00002.
gnomAD v4.1: 21 of 1,613,870 alleles (0.0013%); highest among the groups gnomAD compares: African/African-American, 0.0067%; no homozygotes.

Submissions (2):

Labcorp Genetics (formerly Invitae), Labcorp
Classification: Uncertain significance. Last evaluated: 2025-11-03. Review status: criteria provided, single submitter. Criteria: Invitae Variant Classification Sherloc (09022015). Collection method: clinical testing. Allele origin: germline.
Comment: This sequence change replaces arginine, which is basic and polar, with histidine, which is basic and polar, at codon 473 of the DDR2 protein (p.Arg473His). This variant is present in population databases (rs775098890, gnomAD 0.005%). This variant has not been reported in the literature in individuals affected with DDR2-related conditions. ClinVar contains an entry for this variant (Variation ID: 1399836). An algorithm developed to predict the effect of missense changes on protein structure and function (PolyPhen-2) suggests that this variant is likely to be tolerated. In summary, the available evidence is currently insufficient to determine the role of this variant in disease. Therefore, it has been classified as a Variant of Uncertain Significance.

Blueprint Genetics
Classification: Uncertain significance. Last evaluated: 2024-06-07. Review status: criteria provided, single submitter. Criteria: ACMG Guidelines, 2015. Collection method: clinical testing. Allele origin: germline.